The following is an entry in ClinVar:

ClinVar aggregate classification (germline): Uncertain significance. Review status: criteria provided, multiple submitters, no conflicts (2 of 4 stars). 2 submissions from 2 submitters: Uncertain significance (2). Last evaluated 2023-03-10.

Conditions:
Hereditary cancer-predisposing syndrome. Also called: Hereditary Cancer Syndrome; Hereditary neoplastic syndrome; Neoplastic Syndromes, Hereditary; Tumor predisposition. Identifiers: Orphanet 140162, MedGen C0027672, MeSH D009386, MONDO:0015356.
Gastrointestinal stromal tumor. Also called: Gastrointestinal stromal tumor, somatic; Gastrointestinal stroma tumor. Identifiers: Orphanet 44890, MedGen C0238198, MeSH D046152, MONDO:0011719, OMIM 606764, HP:0100723.

Submissions (2):

Ambry Genetics
Classification: Uncertain significance for Hereditary cancer-predisposing syndrome. Last evaluated: 2023-03-10. Review status: criteria provided, single submitter. Criteria: Ambry Variant Classification Scheme 2023. Collection method: clinical testing. Allele origin: germline.
Comment: The p.A909S variant (also known as c.2725G>T), located in coding exon 20 of the KIT gene, results from a G to T substitution at nucleotide position 2725. The alanine at codon 909 is replaced by serine, an amino acid with similar properties. This amino acid position is conserved. In addition, this alteration is predicted to be tolerated by in silico analysis. Since supporting evidence is limited at this time, the clinical significance of this alteration remains unclear.

Labcorp Genetics (formerly Invitae), Labcorp
Classification: Uncertain significance for Gastrointestinal stromal tumor. Last evaluated: 2023-01-28. Review status: criteria provided, single submitter. Criteria: Invitae Variant Classification Sherloc (09022015). Collection method: clinical testing. Allele origin: germline.
Comment: This sequence change replaces alanine, which is neutral and non-polar, with serine, which is neutral and polar, at codon 909 of the KIT protein (p.Ala909Ser). In summary, the available evidence is currently insufficient to determine the role of this variant in disease. Therefore, it has been classified as a Variant of Uncertain Significance. Algorithms developed to predict the effect of missense changes on protein structure and function (SIFT, PolyPhen-2, Align-GVGD) all suggest that this variant is likely to be tolerated. This variant has not been reported in the literature in individuals affected with KIT-related conditions. This variant is not present in population databases (gnomAD no frequency).

NM_000222.3(KIT):c.2725G>T (p.Ala909Ser)

Gene: KIT (KIT proto-oncogene, receptor tyrosine kinase; plus strand). Cytogenetic location: 4q12.
Variant type: single nucleotide variant.
Coding change: c.2725G>T on transcript NM_000222.3 (MANE Select); coding-DNA position 2725, G replaced by T.
Protein change: p.Ala909Ser; replaces alanine 909 with serine.
Molecular consequence: missense variant.
Genome position (GRCh38, 1-based): chr4:54,737,203, G>T. VCF-style: chr4-54737203-G-T. GRCh37 (hg19) VCF-style: chr4-55603369-G-T.
Other names: c.2713G>T, p.Ala905Ser (NM_001093772.2, NM_001385292.1); c.2728G>T, p.Ala910Ser (NM_001385284.1); c.2722G>T, p.Ala908Ser (NM_001385285.1); c.2710G>T, p.Ala904Ser (NM_001385286.1); c.2716G>T, p.Ala906Ser (NM_001385288.1); c.2725G>T, p.Ala909Ser (NM_001385290.1); short protein forms A904S, A910S, A905S, A909S, A906S, A908S.
Identifiers: ClinVar variation 2496739 (VCV002496739.5), dbSNP rs2475585388, ClinGen allele CA356914300.
Genomic context (GRCh38, chr4:54,737,203, plus strand): 5'-AGGAGGGATAGTAAATGGCCCTTGTCTTGCAGGTATGACATAATGAAGACTTGCTGGGAT[G>T]CAGATCCCCTAAAAAGACCAACATTCAAGCAAATTGTTCAGCTAATTGAGAAGCAGATTT-3'
Protein context (NP_000213.1, residues 899-919): MYDIMKTCWD[Ala909Ser]DPLKRPTFKQ